The following is an entry in ClinVar:

ClinVar aggregate classification (germline): Uncertain significance (1 of 4 stars; one submission).

Submission:

Labcorp Genetics (formerly Invitae), Labcorp
Classification: Uncertain significance. Last evaluated: 2024-10-24. Review status: criteria provided, single submitter. Criteria: Invitae Variant Classification Sherloc (09022015). Collection method: clinical testing. Allele origin: germline.
Comment: This sequence change replaces lysine, which is basic and polar, with threonine, which is neutral and polar, at codon 454 of the ANK1 protein (p.Lys454Thr). This variant is not present in population databases (gnomAD no frequency). This variant has not been reported in the literature in individuals affected with ANK1-related conditions. Invitae Evidence Modeling of protein sequence and biophysical properties (such as structural, functional, and spatial information, amino acid conservation, physicochemical variation, residue mobility, and thermodynamic stability) indicates that this missense variant is not expected to disrupt ANK1 protein function with a negative predictive value of 80%. In summary, the available evidence is currently insufficient to determine the role of this variant in disease. Therefore, it has been classified as a Variant of Uncertain Significance.

NM_000037.4(ANK1):c.1361A>C (p.Lys454Thr)

Gene: ANK1 (ankyrin 1; minus strand). Cytogenetic location: 8p11.21.
Variant type: single nucleotide variant.
Coding change: c.1361A>C on transcript NM_000037.4 (MANE Select); coding-DNA position 1361, A replaced by C.
Protein change: p.Lys454Thr; replaces lysine 454 with threonine.
Molecular consequence: missense variant.
Genome position (GRCh38, 1-based): chr8:41,716,996, T>G on the plus strand (A>C on the coding strand, the complement: ANK1 is on the minus strand). VCF-style: chr8-41716996-T-G. GRCh37 (hg19) VCF-style: chr8-41574514-T-G.
Other names: c.1460A>C, p.Lys487Thr (NM_001142446.2); c.1361A>C, p.Lys454Thr (NM_020475.3, NM_020476.3, NM_020477.3); short protein forms K487T, K454T.
Identifiers: ClinVar variation 2762111 (VCV002762111.3), dbSNP rs2486923155, ClinGen allele CA371070751.